The following is an entry in ClinVar:

NM_000372.5(TYR):c.796G>C (p.Ala266Pro)

Gene: TYR (tyrosinase; plus strand). Cytogenetic location: 11q14.3.
Variant type: single nucleotide variant.
Coding change: c.796G>C on transcript NM_000372.5 (MANE Select); coding-DNA position 796, G replaced by C.
Protein change: p.Ala266Pro; replaces alanine 266 with proline.
Molecular consequence: missense variant.
Genome position (GRCh38, 1-based): chr11:89,178,749, G>C. VCF-style: chr11-89178749-G-C. GRCh37 (hg19) VCF-style: chr11-88911917-G-C.
Other names: short protein forms A266P.
Identifiers: ClinVar variation 4536950 (VCV004536950.1).

ClinVar aggregate classification (germline): Uncertain significance (1 of 4 stars; one submission).

Submission:

Women's Health and Genetics/Laboratory Corporation of America, LabCorp
Classification: Uncertain significance. Last evaluated: 2025-11-07. Review status: criteria provided, single submitter. Criteria: LabCorp Variant Classification Summary - May 2015. Collection method: clinical testing. Allele origin: germline.
Comment: Variant summary: TYR c.796G>C (p.Ala266Pro) results in a non-conservative amino acid change in the encoded protein sequence. Algorithms developed to predict the effect of missense changes on protein structure and function all suggest that this variant is likely to be disruptive. The variant was absent in 250214 control chromosomes. The available data on variant occurrences in the general population are insufficient to allow any conclusion about variant significance. c.796G>C has been observed in individual(s) affected with Oculocutaneous Albinism (Rosenmann_2009). These data do not allow any conclusion about variant significance. To our knowledge, no experimental evidence demonstrating an impact on protein function has been reported. The following publication has been ascertained in the context of this evaluation (PMID: 19626598). No submitters have cited clinical-significance assessments for this variant to ClinVar. Based on the evidence outlined above, the variant was classified as uncertain significance.

Literature cited by the submitters: PubMed 19626598.